The following is an entry in ClinVar:

NM_001609.4(ACADSB):c.1178G>T (p.Gly393Val)

Gene: ACADSB (acyl-CoA dehydrogenase short/branched chain; plus strand). Cytogenetic location: 10q26.13.
Variant type: single nucleotide variant.
Coding change: c.1178G>T on transcript NM_001609.4 (MANE Select); coding-DNA position 1178, G replaced by T.
Protein change: p.Gly393Val; replaces glycine 393 with valine.
Molecular consequence: missense variant.
Genome position (GRCh38, 1-based): chr10:123,053,110, G>T. VCF-style: chr10-123053110-G-T. GRCh37 (hg19) VCF-style: chr10-124812626-G-T.
Other names: c.872G>T, p.Gly291Val (NM_001330174.3); short protein forms G291V, G393V.
Identifiers: ClinVar variation 1938215 (VCV001938215.7), dbSNP rs57472935, ClinGen allele CA215172108.

ClinVar aggregate classification (germline): Uncertain significance. Review status: criteria provided, multiple submitters, no conflicts (2 of 4 stars). 2 submissions from 2 submitters: Uncertain significance (2). Last evaluated 2025-11-29.

Conditions:
Deficiency of 2-methylbutyryl-CoA dehydrogenase (ACADSB). Also called: 2-methylbutyryl-CoA dehydrogenase deficiency; SBCAD deficiency; 2-methylbutyric aciduria; Short branched-chain acyl-CoA dehydrogenase deficiency; 2-methylbutyrylglycinuria. Identifiers: Orphanet 79157, MedGen C1864912, MONDO:0012392, OMIM 610006, HP:0020147.

gnomAD v4.1: 2 of 1,614,070 alleles (0.00012%); highest among the groups gnomAD compares: Admixed American, 0.0033%; no homozygotes.

Submissions (2):

GeneDx
Classification: Uncertain significance. Last evaluated: 2025-11-29. Review status: criteria provided, single submitter. Criteria: GeneDx Variant Classification Process June 2021. Collection method: clinical testing. Allele origin: germline.
Comment: Not observed at significant frequency in large population cohorts (gnomAD); In silico analysis supports that this missense variant has a deleterious effect on protein structure/function; Has not been previously published as pathogenic or benign to our knowledge

Labcorp Genetics (formerly Invitae), Labcorp
Classification: Uncertain significance for Deficiency of 2-methylbutyryl-CoA dehydrogenase. Last evaluated: 2022-01-18. Review status: criteria provided, single submitter. Criteria: Invitae Variant Classification Sherloc (09022015). Collection method: clinical testing. Allele origin: germline.
Comment: This sequence change replaces glycine, which is neutral and non-polar, with valine, which is neutral and non-polar, at codon 393 of the ACADSB protein (p.Gly393Val). This variant is present in population databases (rs57472935, gnomAD 0.003%). This variant has not been reported in the literature in individuals affected with ACADSB-related conditions. Advanced modeling of protein sequence and biophysical properties (such as structural, functional, and spatial information, amino acid conservation, physicochemical variation, residue mobility, and thermodynamic stability) performed at Invitae indicates that this missense variant is expected to disrupt ACADSB protein function. In summary, the available evidence is currently insufficient to determine the role of this variant in disease. Therefore, it has been classified as a Variant of Uncertain Significance.